The following is an entry in ClinVar:

ClinVar aggregate classification (germline): Uncertain significance (1 of 4 stars; one submission).

Allele frequency attached by ClinVar (database versions not stated): gnomAD exomes below 0.00001 and 0.00001; TOPMed below 0.00001; ExAC 0.00001; gnomAD 0.00001.
gnomAD v4.1: 2 of 1,507,214 alleles (0.00013%); highest among the groups gnomAD compares: Non-Finnish European, 0.00018%; no homozygotes.

Submission:

Labcorp Genetics (formerly Invitae), Labcorp
Classification: Uncertain significance. Last evaluated: 2021-10-31. Review status: criteria provided, single submitter. Criteria: Invitae Variant Classification Sherloc (09022015). Collection method: clinical testing. Allele origin: germline.
Comment: This sequence change disrupts the translational stop signal of the GEN1 mRNA. It is expected to extend the length of the GEN1 protein by 9 additional amino acid residues. This variant is present in population databases (rs762802050, gnomAD 0.001%). This variant has not been reported in the literature in individuals affected with GEN1-related conditions. In summary, the available evidence is currently insufficient to determine the role of this variant in disease. Therefore, it has been classified as a Variant of Uncertain Significance.

NM_001130009.3(GEN1):c.2727A>T (p.Ter909Cys)

Gene: GEN1 (GEN1 structure-specific endonuclease; plus strand). Cytogenetic location: 2p24.2.
Variant type: single nucleotide variant.
Coding change: c.2727A>T on transcript NM_001130009.3 (MANE Select); coding-DNA position 2727, A replaced by T.
Protein change: p.Ter909Cys.
Molecular consequence: stop lost.
Genome position (GRCh38, 1-based): chr2:17,781,939, A>T. VCF-style: chr2-17781939-A-T. GRCh37 (hg19) VCF-style: chr2-17963206-A-T.
Other names: c.2727A>T, p.Ter909Cys (NM_182625.5).
Identifiers: ClinVar variation 1448688 (VCV001448688.6), dbSNP rs762802050, ClinGen allele CA1541012.